The following is an entry in ClinVar:

ClinVar aggregate classification (germline): Benign/Likely benign. Review status: criteria provided, multiple submitters, no conflicts (2 of 4 stars). 2 submissions from 2 submitters: Benign (1); Likely benign (1). Last evaluated 2026-07-01.

Conditions:
Sessile serrated polyposis cancer syndrome (SSPCS). Identifiers: Orphanet 157798, MedGen C4310714, MONDO:0014919, OMIM 617108.

gnomAD v4.1: 1 of 1,524,832 alleles (0.000066%); highest among the groups gnomAD compares: Non-Finnish European, 0.000088%; no homozygotes.

Submissions (2):

Myriad Genetics, Inc.
Classification: Benign for Sessile serrated polyposis cancer syndrome. Last evaluated: 2026-07-01. Review status: criteria provided, single submitter. Criteria: Myriad Autosomal Dominant, Autosomal Recessive and X-Linked Classification Criteria (2023). Collection method: clinical testing. Allele origin: unknown.
Comment: This variant is considered benign. This variant is a silent/synonymous amino acid change and it is not expected to impact splicing.

Ambry Genetics
Classification: Likely benign. Last evaluated: 2025-03-15. Review status: criteria provided, single submitter. Criteria: Ambry Variant Classification Scheme 2023. Collection method: clinical testing. Allele origin: germline.

NM_017763.6(RNF43):c.1116T>C (p.Pro372=)

Gene: RNF43 (ring finger protein 43; minus strand). Cytogenetic location: 17q22.
Variant type: single nucleotide variant.
Coding change: c.1116T>C on transcript NM_017763.6 (MANE Select); coding-DNA position 1116, T replaced by C.
Protein change: p.Pro372=; no amino-acid change (proline 372 retained).
Molecular consequence: synonymous variant.
Genome position (GRCh38, 1-based): chr17:58,358,660, A>G on the plus strand (T>C on the coding strand, the complement: RNF43 is on the minus strand). VCF-style: chr17-58358660-A-G. GRCh37 (hg19) VCF-style: chr17-56436021-A-G.
Other names: c.1116T>C, p.Pro372= (NM_001305544.3); c.735T>C, p.Pro245= (NM_001305545.2).
Identifiers: ClinVar variation 3946818 (VCV003946818.2).